The following is an entry in ClinVar:

ClinVar aggregate classification (germline): Benign/Likely benign. Review status: criteria provided, multiple submitters, no conflicts (2 of 4 stars). 3 submissions from 3 submitters: Benign (2); Likely benign (1). Last evaluated 2026-03-01.

Allele frequency attached by ClinVar (database versions not stated): 1000 Genomes Project 30x 0.00297; gnomAD 0.00318 and 0.00344; 1000 Genomes Project 0.00319; TOPMed 0.00334; ESP Exome Variant Server 0.00377.
gnomAD v4.1: 7,871 of 1,614,008 alleles (0.49%); highest among the groups gnomAD compares: Middle Eastern, 1%; 42 homozygotes.

Submissions (3):

CeGaT Center for Human Genetics Tuebingen
Classification: Likely benign. Last evaluated: 2026-03-01. Review status: criteria provided, single submitter. Criteria: CeGaT Center For Human Genetics Tuebingen Variant Classification Criteria Version 2. Collection method: clinical testing. Allele origin: germline. Affected: yes. Observed: 6 variant alleles.
Comment: TLR4: BP4, BP7, BS2

Labcorp Genetics (formerly Invitae), Labcorp
Classification: Benign. Last evaluated: 2018-06-29. Review status: criteria provided, single submitter. Criteria: Invitae Variant Classification Sherloc (09022015). Collection method: clinical testing. Allele origin: germline.

Breakthrough Genomics
Classification: Benign. Review status: criteria provided, single submitter. Criteria: ACMG Guidelines, 2015. Collection method: not provided. Allele origin: germline. Inheritance: Unknown mechanism. Affected: yes.

NM_138554.5(TLR4):c.1062A>G (p.Lys354=)

Gene: TLR4 (toll like receptor 4; plus strand). Cytogenetic location: 9q33.1.
Variant type: single nucleotide variant.
Coding change: c.1062A>G on transcript NM_138554.5 (MANE Select); coding-DNA position 1062, A replaced by G.
Protein change: p.Lys354=; no amino-acid change (lysine 354 retained).
Molecular consequence: synonymous variant.
Genome position (GRCh38, 1-based): chr9:117,713,190, A>G. VCF-style: chr9-117713190-A-G. GRCh37 (hg19) VCF-style: chr9-120475468-A-G.
Other names: c.942A>G, p.Lys314= (NM_003266.4); c.462A>G, p.Lys154= (NM_138557.3).
Identifiers: ClinVar variation 779432 (VCV000779432.33), dbSNP rs56070048, ClinGen allele CA5212329.
Genomic context (GRCh38, chr9:117,713,190, plus strand): 5'-TTTAGAATTAGTTAACTGTAAATTTGGACAGTTTCCCACATTGAAACTCAAATCTCTCAA[A>G]AGGCTTACTTTCACTTCCAACAAAGGTGGGAATGCTTTTTCAGAAGTTGATCTACCAAGC-3'
Protein context (NP_612564.1, residues 344-364): QFPTLKLKSL[Lys354=]RLTFTSNKGG